The following is an entry in ClinVar:

NM_005559.4(LAMA1):c.8315G>A (p.Arg2772His)

Gene: LAMA1 (laminin subunit alpha 1; minus strand). Cytogenetic location: 18p11.31.
Variant type: single nucleotide variant.
Coding change: c.8315G>A on transcript NM_005559.4 (MANE Select); coding-DNA position 8315, G replaced by A.
Protein change: p.Arg2772His; replaces arginine 2772 with histidine.
Molecular consequence: missense variant.
Genome position (GRCh38, 1-based): chr18:6,950,864, C>T on the plus strand (G>A on the coding strand, the complement: LAMA1 is on the minus strand). VCF-style: chr18-6950864-C-T. GRCh37 (hg19) VCF-style: chr18-6950863-C-T.
Other names: c.8315G>A (NM_005559.3); short protein forms R2772H.
Identifiers: ClinVar variation 435702 (VCV000435702.16), dbSNP rs548903685, ClinGen allele CA8880512.
Genomic context (GRCh38, chr18:6,950,864, plus strand): 5'-AGCAGTGCAGGGTGAGAGACCTTTGTTCTGCCTTTGCCAAGGTCAAACATGAAGTGGAGG[C>T]GGCCCCCGTGCAGCTGGAGCACAGCGTAGTCTGCTTGGTTCTGATGAGCCATGTAGTAAA-3'
Protein context (NP_005550.2, residues 2762-2782): DYAVLQLHGG[Arg2772His]LHFMFDLGKG

ClinVar aggregate classification (germline): Conflicting classifications of pathogenicity. Review status: criteria provided, conflicting classifications (1 of 4 stars). 4 submissions from 4 submitters: Uncertain significance (1); Benign (1); Likely benign (1). 1 of the submissions does not count toward it. Last evaluated 2024-05-28.

Conditions:
LAMA1-related disorder. Also called: LAMA1-related disorders; LAMA1-related condition.

Allele frequency attached by ClinVar (database versions not stated): gnomAD 0.00002 and 0.00015; TOPMed 0.00007; gnomAD exomes 0.00064; ExAC 0.00067; 1000 Genomes Project 30x 0.00094; 1000 Genomes Project 0.00100.
gnomAD v4.1: 445 of 1,614,118 alleles (0.028%); highest among the groups gnomAD compares: South Asian, 0.43%; 7 homozygotes.

Submissions (4):

Blueprint Genetics
Classification: Likely benign. Last evaluated: 2024-05-28. Review status: criteria provided, single submitter. Criteria: ACMG Guidelines, 2015. Collection method: clinical testing. Allele origin: germline.

Labcorp Genetics (formerly Invitae), Labcorp
Classification: Benign. Last evaluated: 2024-05-15. Review status: criteria provided, single submitter. Criteria: Invitae Variant Classification Sherloc (09022015). Collection method: clinical testing. Allele origin: germline.

Genetic Services Laboratory, University of Chicago
Classification: Uncertain significance. Last evaluated: 2016-05-05. Review status: criteria provided, single submitter. Criteria: ACMG Guidelines, 2015. Collection method: clinical testing. Allele origin: germline. Affected: no.

PreventionGenetics, part of Exact Sciences
Classification: Likely benign for LAMA1-related condition. Last evaluated: 2022-10-11. Review status: no assertion criteria provided. Collection method: clinical testing. Allele origin: germline. Not counted in ClinVar's aggregate classification.
Comment: This variant is classified as likely benign based on ACMG/AMP sequence variant interpretation guidelines (Richards et al. 2015 PMID: 25741868, with internal and published modifications).